The following is an entry in ClinVar:

NM_000169.3(GLA):c.547+385C>A

Genes: GLA (galactosidase alpha; minus strand), RPL36A-HNRNPH2 (RPL36A-HNRNPH2 readthrough; plus strand). Cytogenetic location: Xq22.1.
Variant type: single nucleotide variant.
Coding change: c.547+385C>A on transcript NM_000169.3 (MANE Select); 385 bases into the intron after coding-DNA position 547, C replaced by A.
Molecular consequence: intron variant. On other transcripts: 3 prime UTR variant (1), non-coding transcript variant (1).
Genome position (GRCh38, 1-based): chrX:101,401,247, G>T on the plus strand (C>A on the coding strand, the complement: GLA is on the minus strand). VCF-style: chrX-101401247-G-T. GRCh37 (hg19) VCF-style: chrX-100656235-G-T.
Other names: c.*296C>A (NM_001406749.1); c.300+5790G>T (NM_001199973.2); c.177+9425G>T (NM_001199974.2); c.670+385C>A (NM_001406747.1); c.547+385C>A (NM_001406748.1).
Identifiers: ClinVar variation 4986743 (VCV004986743.1).

ClinVar aggregate classification (germline): Likely benign (1 of 4 stars; one submission).

Conditions:
GLA-related disorder. Also called: GLA-related condition.

gnomAD v4.1: 4 of 247,525 alleles (0.0016%); highest among the groups gnomAD compares: Non-Finnish European, 0.0029%; no homozygotes.

Submission:

PreventionGenetics, part of Exact Sciences
Classification: Likely benign for GLA-related condition. Last evaluated: 2026-06-03. Review status: criteria provided, single submitter. Criteria: ACMG Guidelines, 2015. Collection method: clinical testing. Allele origin: germline.
Comment: This variant is classified as likely benign based on ACMG/AMP sequence variant interpretation guidelines (Richards et al. 2015 PMID: 25741868, with internal and published modifications).